The following is an entry in ClinVar:

ClinVar aggregate classification (germline): Pathogenic (1 of 4 stars; one submission).

Conditions:
Fanconi anemia complementation group A (FANCA). Also called: Fanconi anemia, group A; FANCA-Related Fanconi Anemia. Identifiers: Orphanet 84, MedGen C3469521, MONDO:0009215, OMIM 227650.

Submission:

Myriad Genetics, Inc.
Classification: Pathogenic for Fanconi anemia complementation group A. Last evaluated: 2025-08-18. Review status: criteria provided, single submitter. Criteria: Myriad Autosomal Dominant, Autosomal Recessive and X-Linked Classification Criteria (2023). Collection method: clinical testing. Allele origin: unknown.
Comment: NM_000135.2(FANCA):c.756dupT(L253Sfs*8) is expected to be pathogenic in the context of Fanconi anemia complementation group A. This variant is predicted to lead to an abnormal or absent protein product due to the creation of a premature termination codon in FANCA, a gene where loss-of-function variants are known to be pathogenic. Please note: this variant was assessed in the context of healthy population screening.

NM_000135.4(FANCA):c.756dup (p.Leu253fs)

Gene: FANCA (FA complementation group A; minus strand). Cytogenetic location: 16q24.3.
Variant type: Duplication.
Coding change: c.756dup on transcript NM_000135.4 (MANE Select); coding-DNA position 756, one base duplicated (T; older notation c.756dupT).
Protein change: p.Leu253fs; shifts the reading frame from leucine 253.
Molecular consequence: frameshift variant.
Genome position (GRCh38, 1-based): chr16:89,803,295, A duplicated on the plus strand (T on the coding strand, the reverse complement: FANCA is on the minus strand). VCF-style (leftmost placement, unchanged base first): chr16-89803294-G-GA. GRCh37 (hg19) VCF-style: chr16-89869702-G-GA.
Other names: c.756dup, p.Leu253fs (NM_001018112.3, NM_001286167.3); c.660dup, p.Leu221fs (NM_001351830.2); short protein forms L221fs, L253fs.
Identifiers: ClinVar variation 5014877 (VCV005014877.1).
Genomic context (GRCh38, chr16:89,803,294, plus strand): 5'-CTCTTCACTTGACTTTTCCTCCTACCTGCGGCATTTTTTCAGGCTCCACAGTTCTTCTCA[G>GA]ATCTGAGTTTTTCTGAAATCCCCTCAAAACAAACATTTGAACAAAATCTGAAAAACCATA-3'